The following is an entry in ClinVar:

ClinVar aggregate classification (germline): Uncertain significance (1 of 4 stars; one submission).

gnomAD v4.1: 1 of 1,614,118 alleles (0.000062%); highest among the groups gnomAD compares: East Asian, 0.0022%; no homozygotes.

Submission:

Labcorp Genetics (formerly Invitae), Labcorp
Classification: Uncertain significance. Last evaluated: 2022-11-24. Review status: criteria provided, single submitter. Criteria: Invitae Variant Classification Sherloc (09022015). Collection method: clinical testing. Allele origin: germline.
Comment: In summary, the available evidence is currently insufficient to determine the role of this variant in disease. Therefore, it has been classified as a Variant of Uncertain Significance. Algorithms developed to predict the effect of missense changes on protein structure and function are either unavailable or do not agree on the potential impact of this missense change (SIFT: "Deleterious"; PolyPhen-2: "Benign"; Align-GVGD: "Class C25"). ClinVar contains an entry for this variant (Variation ID: 1519184). This variant has not been reported in the literature in individuals affected with ZNF462-related conditions. This variant is not present in population databases (gnomAD no frequency). This sequence change replaces glutamine, which is neutral and polar, with leucine, which is neutral and non-polar, at codon 1839 of the ZNF462 protein (p.Gln1839Leu).

NM_021224.6(ZNF462):c.5516A>T (p.Gln1839Leu)

Gene: ZNF462 (zinc finger protein 462; plus strand). Cytogenetic location: 9q31.2.
Variant type: single nucleotide variant.
Coding change: c.5516A>T on transcript NM_021224.6 (MANE Select); coding-DNA position 5516, A replaced by T.
Protein change: p.Gln1839Leu; replaces glutamine 1839 with leucine.
Molecular consequence: missense variant. On other transcripts: intron variant (1).
Genome position (GRCh38, 1-based): chr9:106,929,428, A>T. VCF-style: chr9-106929428-A-T. GRCh37 (hg19) VCF-style: chr9-109691709-A-T.
Other names: c.3253-1097A>T (NM_001347997.2); short protein forms Q1839L.
Identifiers: ClinVar variation 1519184 (VCV001519184.6), dbSNP rs1420003708, ClinGen allele CA374415284.
Genomic context (GRCh38, chr9:106,929,428, plus strand): 5'-CACTGATGGAAGAAGAGGAGAGAGGCAACTTTGAGAAAGCCGAGGTGGAGGGTGAAGCTC[A>T]GGAAATCGAGTGGCTCCCATTCCGCTGCATCAAATGCTTCAAGCTGTCCTTTAGCACTGC-3'
Protein context (NP_067047.4, residues 1829-1849): FEKAEVEGEA[Gln1839Leu]EIEWLPFRCI